The following is an entry in ClinVar:

NM_001106.4(ACVR2B):c.*3334G>T

Gene: ACVR2B (activin A receptor type 2B; plus strand). Cytogenetic location: 3p22.2.
Variant type: single nucleotide variant.
Coding change: c.*3334G>T on transcript NM_001106.4 (MANE Select); 3334 bases downstream of the stop codon, G replaced by T.
Molecular consequence: 3 prime UTR variant.
Genome position (GRCh38, 1-based): chr3:38,486,666, G>T. VCF-style: chr3-38486666-G-T. GRCh37 (hg19) VCF-style: chr3-38528157-G-T.
Identifiers: ClinVar variation 344978 (VCV000344978.5), dbSNP rs557881549, ClinGen allele CA10615747.

ClinVar aggregate classification (germline): Benign (1 of 4 stars; one submission).

Conditions:
Heterotaxy, visceral, 4, autosomal (HTX4). Identifiers: Orphanet 450, MedGen C3151057, MONDO:0013403, OMIM 613751.

Allele frequency attached by ClinVar (database versions not stated): gnomAD 0.00019 and 0.00021; TOPMed 0.00029; 1000 Genomes Project 0.00060; 1000 Genomes Project 30x 0.00078.

Submission:

Illumina Laboratory Services, Illumina
Classification: Benign for Heterotaxy, visceral, 4, autosomal. Last evaluated: 2018-01-13. Review status: criteria provided, single submitter. Criteria: ICSL Variant Classification Criteria 13 December 2019. Collection method: clinical testing. Allele origin: germline.
Comment: This variant was observed in the ICSL laboratory as part of a predisposition screen in an ostensibly healthy population. It had not been previously curated by ICSL or reported in the Human Gene Mutation Database (HGMD: prior to June 1st, 2018), and was therefore a candidate for classification through an automated scoring system. Utilizing variant allele frequency, disease prevalence and penetrance estimates, and inheritance mode, an automated score was calculated to assess if this variant is too frequent to cause the disease. Based on the score and internal cut-off values, a variant classified as benign is not then subjected to further curation. The score for this variant resulted in a classification of benign for this disease.